The following is an entry in ClinVar:

ClinVar aggregate classification (germline): Benign. Review status: criteria provided, multiple submitters, no conflicts (2 of 4 stars). 7 submissions from 7 submitters: Benign (7). Last evaluated 2026-02-04.

Conditions:
Vitreoretinopathy. Also called: Vitreoretinal degeneration. Identifiers: MedGen C0344290, MONDO:0020248, HP:0007773.
Wagner disease. Also called: Wagner syndrome; HYALOIDEORETINAL DEGENERATION OF WAGNER; WAGNER VITREORETINAL DEGENERATION; Wagner Vitreoretinal Degeneration (Wagner Synrdome); WAGNER SYNDROME 1; WAGNER VITREORETINOPATHY. Identifiers: Orphanet 898, MedGen C1840452, MONDO:0007740, OMIM 143200.

Allele frequency attached by ClinVar (database versions not stated): 1000 Genomes Project 0.46865; 1000 Genomes Project 30x 0.47908; ExAC 0.48379; gnomAD exomes 0.48522; ESP Exome Variant Server 0.49792; gnomAD 0.49893 and 0.50487; TOPMed 0.49949.
gnomAD v4.1: 783,243 of 1,613,530 alleles (49%); highest among the groups gnomAD compares: Admixed American, 52%; 190,969 homozygotes.

Submissions (7):

Labcorp Genetics (formerly Invitae), Labcorp
Classification: Benign. Last evaluated: 2026-02-04. Review status: criteria provided, single submitter. Criteria: Invitae Variant Classification Sherloc (09022015). Collection method: clinical testing. Allele origin: germline.

Blueprint Genetics
Classification: Benign. Last evaluated: 2024-11-27. Review status: criteria provided, single submitter. Criteria: ACMG Guidelines, 2015. Collection method: clinical testing. Allele origin: germline.

Genome-Nilou Lab
Classification: Benign for Wagner disease. Last evaluated: 2021-12-05. Review status: criteria provided, single submitter. Criteria: ACMG Guidelines, 2015. Collection method: clinical testing. Allele origin: germline. Affected: no.

GeneDx
Classification: Benign. Last evaluated: 2021-05-05. Review status: criteria provided, single submitter. Criteria: GeneDx Variant Classification Process June 2021. Collection method: clinical testing. Allele origin: germline. Affected: yes.

Illumina Laboratory Services, Illumina
Classification: Benign for Vitreoretinopathy. Last evaluated: 2018-01-12. Review status: criteria provided, single submitter. Criteria: ICSL Variant Classification Criteria 13 December 2019. Collection method: clinical testing. Allele origin: germline.
Comment: This variant was observed in the ICSL laboratory as part of a predisposition screen in an ostensibly healthy population. It had not been previously curated by ICSL or reported in the Human Gene Mutation Database (HGMD: prior to June 1st, 2018), and was therefore a candidate for classification through an automated scoring system. Utilizing variant allele frequency, disease prevalence and penetrance estimates, and inheritance mode, an automated score was calculated to assess if this variant is too frequent to cause the disease. Based on the score and internal cut-off values, a variant classified as benign is not then subjected to further curation. The score for this variant resulted in a classification of benign for this disease.

Eurofins Ntd Llc (ga)
Classification: Benign. Last evaluated: 2014-01-20. Review status: criteria provided, single submitter. Criteria: EGL Classification Definitions 2015. Collection method: clinical testing. Allele origin: germline. Observed: 3 variant alleles, 3 heterozygotes.

PreventionGenetics, part of Exact Sciences
Classification: Benign. Review status: criteria provided, single submitter. Criteria: ACMG Guidelines, 2015. Collection method: clinical testing. Allele origin: germline.

NM_004385.5(VCAN):c.5808T>C (p.Gly1936=)

Genes: VCAN (versican; plus strand), VCAN-AS1 (VCAN antisense RNA 1; minus strand). Cytogenetic location: 5q14.3.
Variant type: single nucleotide variant.
Coding change: c.5808T>C on transcript NM_004385.5 (MANE Select); coding-DNA position 5808, T replaced by C.
Protein change: p.Gly1936=; no amino-acid change (glycine 1936 retained).
Molecular consequence: synonymous variant. On other transcripts: intron variant (2).
Genome position (GRCh38, 1-based): chr5:83,538,811, T>C. VCF-style: chr5-83538811-T-C. GRCh37 (hg19) VCF-style: chr5-82834630-T-C.
Other names: c.2847T>C, p.Gly949= (NM_001164097.2); c.4004-6726T>C (NM_001164098.2); c.1043-6726T>C (NM_001126336.3).
Identifiers: ClinVar variation 167824 (VCV000167824.23), dbSNP rs309557, ClinGen allele CA180486.